The following is an entry in ClinVar:

NM_001754.5(RUNX1):c.1242C>T (p.Tyr414=)

Gene: RUNX1 (RUNX family transcription factor 1; minus strand). Cytogenetic location: 21q22.12.
Variant type: single nucleotide variant.
Coding change: c.1242C>T on transcript NM_001754.5 (MANE Select); coding-DNA position 1242, C replaced by T.
Protein change: p.Tyr414=; no amino-acid change (tyrosine 414 retained).
Molecular consequence: synonymous variant.
Genome position (GRCh38, 1-based): chr21:34,792,336, G>A on the plus strand (C>T on the coding strand, the complement: RUNX1 is on the minus strand). VCF-style: chr21-34792336-G-A. GRCh37 (hg19) VCF-style: chr21-36164633-G-A.
Other names: NM_001754.5(RUNX1):c.1242C>T; p.Tyr414=; c.1242C>T (NM_001754.4); c.1161C>T, p.Tyr387= (NM_001001890.3).
Identifiers: ClinVar variation 1652693 (VCV001652693.12), dbSNP rs2056452818, ClinGen allele CA512341192.

ClinVar aggregate classification (germline): Likely benign. Review status: reviewed by expert panel (3 of 4 stars). 3 submissions from 3 submitters: Likely benign (1). 2 of the submissions do not count toward it. Last evaluated 2026-04-29.

Conditions:
Hereditary thrombocytopenia and hematological cancer predisposition syndrome associated with RUNX1. Also called: Familial Platelet Disorder with Propensity to Acute Myelogenous Leukemia; Familial thrombocytopenia with propensity to acute myelogenous leukemia; PLATELET DISORDER, ASPIRIN-LIKE; RUNX1 Familial Platelet Disorder with Associated Myeloid Malignancies. Identifiers: Orphanet 71290, MedGen C1832388, MeSH C563324, MONDO:0100083, OMIM 601399.
Hereditary thrombocytopenia and hematologic cancer predisposition syndrome. Identifiers: Orphanet 71290, MedGen CN281654, MONDO:0011071.
Inborn genetic diseases. Identifiers: MedGen C0950123, MeSH D030342.

Allele frequency attached by ClinVar (database versions not stated): gnomAD exomes below 0.00001; TOPMed below 0.00001.
gnomAD v4.1: 1 of 1,555,042 alleles (0.000064%); highest among the groups gnomAD compares: African/African-American, 0.0014%; no homozygotes.

Submissions (3):

ClinGen Myeloid Malignancy Variant Curation Expert Panel
Classification: Likely benign for Hereditary thrombocytopenia and hematologic cancer predisposition syndrome. Last evaluated: 2026-04-29. Review status: reviewed by expert panel. Criteria: ClinGen MyeloMalig ACMG Specifications V3.1. Collection method: curation. Allele origin: germline. Inheritance: Autosomal dominant inheritance.
Comment: NM_001754.5(RUNX1):c.1242C>T (p.Tyr414=) is a synonymous variant which has a SpliceAI score ≤ 0.20 (0.0) (BP4, BP7). This variant has a MAF ≤ 0.00005 in gnomAD v4 across all subpopulations with at least 20X coverage for RUNX1 (PM2_supporting). In summary, this variant meets criteria to be classified as likely benign. ACMG/AMP criteria applied, as specified by the Myeloid Malignancy Variant Curation Expert Panel for RUNX1: BP4, BP7, PM2_supporting.

Ambry Genetics
Classification: Likely benign for Inborn genetic diseases. Last evaluated: 2025-04-12. Review status: criteria provided, single submitter. Criteria: Ambry Variant Classification Scheme 2023. Collection method: clinical testing. Allele origin: germline. Not counted in ClinVar's aggregate classification.

Labcorp Genetics (formerly Invitae), Labcorp
Classification: Likely benign for Hereditary thrombocytopenia and hematological cancer predisposition syndrome associated with RUNX1. Last evaluated: 2024-05-13. Review status: criteria provided, single submitter. Criteria: Invitae Variant Classification Sherloc (09022015). Collection method: clinical testing. Allele origin: germline. Not counted in ClinVar's aggregate classification.